The following is an entry in ClinVar:

ClinVar aggregate classification (germline): Uncertain significance (1 of 4 stars; one submission).

Conditions:
Cardiovascular phenotype. Identifiers: MedGen CN230736.

Submission:

Ambry Genetics
Classification: Uncertain significance for Cardiovascular phenotype. Last evaluated: 2026-05-23. Review status: criteria provided, single submitter. Criteria: Ambry Variant Classification Scheme 2023. Collection method: clinical testing. Allele origin: germline.
Comment: The p.L931M variant (also known as c.2791C>A), located in coding exon 1 of the ZNF469 gene, results from a C to A substitution at nucleotide position 2791. The leucine at codon 931 is replaced by methionine, an amino acid with highly similar properties. This amino acid position is conserved. In addition, this alteration is predicted to be tolerated by in silico analysis. Based on the available evidence, the clinical significance of this variant remains unclear.

NM_001367624.2(ZNF469):c.2791C>A (p.Leu931Met)

Gene: ZNF469 (zinc finger protein 469; plus strand). Cytogenetic location: 16q24.2.
Variant type: single nucleotide variant.
Coding change: c.2791C>A on transcript NM_001367624.2 (MANE Select); coding-DNA position 2791, C replaced by A.
Protein change: p.Leu931Met; replaces leucine 931 with methionine.
Molecular consequence: missense variant.
Genome position (GRCh38, 1-based): chr16:88,430,261, C>A. VCF-style: chr16-88430261-C-A. GRCh37 (hg19) VCF-style: chr16-88496669-C-A.
Other names: NM_001127464.1:c.2791C>A; short protein forms L931M.
Identifiers: ClinVar variation 4867016 (VCV004867016.1).